The following is an entry in ClinVar:

NM_001723.7(DST):c.6831C>T (p.Ala2277=)

Gene: DST (dystonin; minus strand). Cytogenetic location: 6p12.1.
Variant type: single nucleotide variant.
Coding change: c.6831C>T on transcript NM_001723.7 (MANE Plus Clinical); coding-DNA position 6831, C replaced by T.
Protein change: p.Ala2277=; no amino-acid change (alanine 2277 retained).
Molecular consequence: synonymous variant. On other transcripts: intron variant (10).
Genome position (GRCh38, 1-based): chr6:56,616,636, G>A on the plus strand (C>T on the coding strand, the complement: DST is on the minus strand). VCF-style: chr6-56616636-G-A. GRCh37 (hg19) VCF-style: chr6-56481434-G-A.
Other names: c.4831-2152C>T (NM_001144769.5); c.4930-2152C>T (NM_001374722.1, NM_001374736.1); c.4957-2152C>T (NM_001374734.1); c.4417-2152C>T (NM_001144770.2); c.4297-2152C>T (NM_001374730.1, NM_001386100.1, NM_183380.4 and 1 more transcripts); c.3319-2152C>T (NM_015548.5).
Identifiers: ClinVar variation 541479 (VCV000541479.44), dbSNP rs34628660, ClinGen allele CA3870086.

ClinVar aggregate classification (germline): Likely benign. Review status: criteria provided, multiple submitters, no conflicts (2 of 4 stars). 3 submissions from 3 submitters: Likely benign (3). Last evaluated 2025-12-17.

Conditions:
Hereditary sensory and autonomic neuropathy type 6. Also called: HSAN VI; Neuropathy, hereditary sensory and autonomic, type VI. Identifiers: Orphanet 314381, MedGen C3539003, MONDO:0013839, OMIM 614653.
Epidermolysis bullosa simplex 3, localized or generalized intermediate, with BP230 deficiency (EBS3). Also called: Epidermolysis bullosa simplex, autosomal recessive 2; Epidermolysis bullosa simplex due to BP230 deficiency. Identifiers: Orphanet 412181, MedGen C3809470, MONDO:0014180, OMIM 615425.
DST-related disorder. Also called: DST-related disorders; DST-related condition.

Allele frequency attached by ClinVar (database versions not stated): gnomAD 0.00027 and 0.00029; gnomAD exomes 0.00042 and 0.00017; ESP Exome Variant Server 0.00046; ExAC 0.00021; TOPMed 0.00025.
gnomAD v4.1: 659 of 1,614,030 alleles (0.041%); highest among the groups gnomAD compares: Non-Finnish European, 0.052%; no homozygotes.

Submissions (3):

Labcorp Genetics (formerly Invitae), Labcorp
Classification: Likely benign for Epidermolysis bullosa simplex 3, localized or generalized intermediate, with BP230 deficiency; Hereditary sensory and autonomic neuropathy type 6. Last evaluated: 2025-12-17. Review status: criteria provided, single submitter. Criteria: Invitae Variant Classification Sherloc (09022015). Collection method: clinical testing. Allele origin: germline.

PreventionGenetics, part of Exact Sciences
Classification: Likely benign for DST-related condition. Last evaluated: 2025-08-18. Review status: criteria provided, single submitter. Criteria: ACMG Guidelines, 2015. Collection method: clinical testing. Allele origin: germline.
Comment: This variant is classified as likely benign based on ACMG/AMP sequence variant interpretation guidelines (Richards et al. 2015 PMID: 25741868, with internal and published modifications).

CeGaT Center for Human Genetics Tuebingen
Classification: Likely benign. Last evaluated: 2024-02-01. Review status: criteria provided, single submitter. Criteria: CeGaT Center For Human Genetics Tuebingen Variant Classification Criteria Version 2. Collection method: clinical testing. Allele origin: germline. Affected: yes. Observed: 2 variant alleles.
Comment: DST: BP4, BP7